The following is an entry in ClinVar:

ClinVar aggregate classification (germline): Uncertain significance (1 of 4 stars; one submission).

Submission:

GeneDx
Classification: Uncertain significance. Last evaluated: 2022-11-30. Review status: criteria provided, single submitter. Criteria: GeneDx Variant Classification Process June 2021. Collection method: clinical testing. Allele origin: germline. Affected: yes.
Comment: Not observed at significant frequency in large population cohorts (gnomAD); In silico analysis supports that this missense variant does not alter protein structure/function; Has not been previously published as pathogenic or benign to our knowledge

NM_005861.4(STUB1):c.509C>T (p.Ala170Val)

Gene: STUB1 (STIP1 homology and U-box containing protein 1; plus strand). Cytogenetic location: 16p13.3.
Variant type: single nucleotide variant.
Coding change: c.509C>T on transcript NM_005861.4 (MANE Select); coding-DNA position 509, C replaced by T.
Protein change: p.Ala170Val; replaces alanine 170 with valine.
Molecular consequence: missense variant.
Genome position (GRCh38, 1-based): chr16:681,588, C>T. VCF-style: chr16-681588-C-T. GRCh37 (hg19) VCF-style: chr16-731588-C-T.
Other names: c.293C>T, p.Ala98Val (NM_001293197.2); short protein forms A170V, A98V.
Identifiers: ClinVar variation 2504527 (VCV002504527.1), dbSNP rs750506956, ClinGen allele CA394112618.